The following is an entry in ClinVar:

ClinVar aggregate classification (germline): Uncertain significance (1 of 4 stars; one submission).

Submission:

Women's Health and Genetics/Laboratory Corporation of America, LabCorp
Classification: Uncertain significance. Last evaluated: 2026-01-20. Review status: criteria provided, single submitter. Criteria: LabCorp Variant Classification Summary - May 2015. Collection method: clinical testing. Allele origin: germline.
Comment: Variant summary: TYR c.779C>T (p.Pro260Leu) results in a non-conservative amino acid change in the encoded protein sequence. Algorithms developed to predict the effect of missense changes on protein structure and function all suggest that this variant is likely to be disruptive. The variant was absent in 250806 control chromosomes (gnomAD). To our knowledge, no occurrence of c.779C>T in individuals affected with TYR-related conditions has been reported in the literature. At least one publication reports experimental evidence evaluating an impact on protein function. The most pronounced variant effect results in 30%-50% of normal activity (Mondal_2016). The following publication has been ascertained in the context of this evaluation (PMID: 27537549). No submitters have cited clinical-significance assessments for this variant to ClinVar. Based on the evidence outlined above, the variant was classified as VUS-possibly pathogenic.

Literature cited by the submitters: PubMed 27537549.

NM_000372.5(TYR):c.779C>T (p.Pro260Leu)

Gene: TYR (tyrosinase; plus strand). Cytogenetic location: 11q14.3.
Variant type: single nucleotide variant.
Coding change: c.779C>T on transcript NM_000372.5 (MANE Select); coding-DNA position 779, C replaced by T.
Protein change: p.Pro260Leu; replaces proline 260 with leucine.
Molecular consequence: missense variant.
Genome position (GRCh38, 1-based): chr11:89,178,732, C>T. VCF-style: chr11-89178732-C-T. GRCh37 (hg19) VCF-style: chr11-88911900-C-T.
Other names: short protein forms P260L.
Identifiers: ClinVar variation 4689234 (VCV004689234.1).